The following is an entry in ClinVar:

ClinVar aggregate classification (germline): Likely benign. Review status: criteria provided, multiple submitters, no conflicts (2 of 4 stars). 2 submissions from 2 submitters: Likely benign (2). Last evaluated 2025-04-28.

Conditions:
NIPA1-related disorder. Also called: NIPA1-related condition.
Hereditary spastic paraplegia 6 (SPG6). Also called: SPASTIC PARAPLEGIA 6, AUTOSOMAL DOMINANT. Identifiers: Orphanet 100988, MedGen C1838192, MONDO:0010878, OMIM 600363.

Allele frequency attached by ClinVar (database versions not stated): TOPMed 0.00002; ExAC 0.00003; gnomAD 0.00003.
gnomAD v4.1: 45 of 1,613,674 alleles (0.0028%); highest among the groups gnomAD compares: Non-Finnish European, 0.0033%; no homozygotes.

Submissions (2):

PreventionGenetics, part of Exact Sciences
Classification: Likely benign for NIPA1-related condition. Last evaluated: 2025-04-28. Review status: criteria provided, single submitter. Criteria: ACMG Guidelines, 2015. Collection method: clinical testing. Allele origin: germline.
Comment: This variant is classified as likely benign based on ACMG/AMP sequence variant interpretation guidelines (Richards et al. 2015 PMID: 25741868, with internal and published modifications).

Labcorp Genetics (formerly Invitae), Labcorp
Classification: Likely benign for Hereditary spastic paraplegia 6. Last evaluated: 2025-02-17. Review status: criteria provided, single submitter. Criteria: Invitae Variant Classification Sherloc (09022015). Collection method: clinical testing. Allele origin: germline.

NM_144599.5(NIPA1):c.264G>A (p.Thr88=)

Gene: NIPA1 (NIPA magnesium transporter 1; plus strand). Cytogenetic location: 15q11.2.
Variant type: single nucleotide variant.
Coding change: c.264G>A on transcript NM_144599.5 (MANE Select); coding-DNA position 264, G replaced by A.
Protein change: p.Thr88=; no amino-acid change (threonine 88 retained).
Molecular consequence: synonymous variant.
Genome position (GRCh38, 1-based): chr15:22,812,200, G>A. VCF-style: chr15-22812200-G-A. GRCh37 (hg19) VCF-style: chr15-23060868-C-T.
Other names: c.264G>A (NM_144599.4); c.39G>A, p.Thr13= (NM_001142275.1).
Identifiers: ClinVar variation 2737280 (VCV002737280.4), dbSNP rs749905981, ClinGen allele CA7426152.